The following is an entry in ClinVar:

NM_003126.4(SPTA1):c.1037A>G (p.Glu346Gly)

Gene: SPTA1 (spectrin alpha, erythrocytic 1; minus strand). Cytogenetic location: 1q23.1.
Variant type: single nucleotide variant.
Coding change: c.1037A>G on transcript NM_003126.4 (MANE Select); coding-DNA position 1037, A replaced by G.
Protein change: p.Glu346Gly; replaces glutamic acid 346 with glycine.
Molecular consequence: missense variant.
Genome position (GRCh38, 1-based): chr1:158,676,216, T>C on the plus strand (A>G on the coding strand, the complement: SPTA1 is on the minus strand). VCF-style: chr1-158676216-T-C. GRCh37 (hg19) VCF-style: chr1-158646006-T-C.
Other names: short protein forms E346G.
Identifiers: ClinVar variation 3718577 (VCV003718577.2).

ClinVar aggregate classification (germline): Uncertain significance (1 of 4 stars; one submission).

gnomAD v4.1: 4 of 1,613,692 alleles (0.00025%); highest among the groups gnomAD compares: Non-Finnish European, 0.00025%; no homozygotes.

Submission:

Labcorp Genetics (formerly Invitae), Labcorp
Classification: Uncertain significance. Last evaluated: 2024-11-06. Review status: criteria provided, single submitter. Criteria: Invitae Variant Classification Sherloc (09022015). Collection method: clinical testing. Allele origin: germline.
Comment: This sequence change replaces glutamic acid, which is acidic and polar, with glycine, which is neutral and non-polar, at codon 346 of the SPTA1 protein (p.Glu346Gly). This variant is present in population databases (no rsID available, gnomAD no frequency). This missense change has been observed in individual(s) with clinical features of SPTA1-related conditions (PMID: 31038472). Invitae Evidence Modeling of protein sequence and biophysical properties (such as structural, functional, and spatial information, amino acid conservation, physicochemical variation, residue mobility, and thermodynamic stability) indicates that this missense variant is not expected to disrupt SPTA1 protein function with a negative predictive value of 80%. Algorithms developed to predict the effect of sequence changes on RNA splicing suggest that this variant may disrupt the consensus splice site. In summary, the available evidence is currently insufficient to determine the role of this variant in disease. Therefore, it has been classified as a Variant of Uncertain Significance.

Literature cited by the submitters: PubMed 31038472.